The following is an entry in ClinVar:

ClinVar aggregate classification (germline): Pathogenic/Likely pathogenic. Review status: criteria provided, multiple submitters, no conflicts (2 of 4 stars). 4 submissions from 4 submitters: Pathogenic (3); Likely pathogenic (1). Last evaluated 2026-01-07.

Conditions:
Medium-chain acyl-coenzyme A dehydrogenase deficiency (ACADMD). Also called: CARNITINE DEFICIENCY SECONDARY TO MEDIUM-CHAIN ACYL-CoA DEHYDROGENASE DEFICIENCY; ACADM DEFICIENCY; MCADD; MCADH DEFICIENCY; Medium chain acyl-CoA dehydrogenase deficiency; MCAD Deficiency. Identifiers: Orphanet 42, MedGen C0220710, MONDO:0008721, OMIM 201450.

Allele frequency attached by ClinVar (database versions not stated): gnomAD 0.00001.
gnomAD v4.1: 8 of 1,611,964 alleles (0.0005%); highest among the groups gnomAD compares: Non-Finnish European, 0.00068%; no homozygotes.

Submissions (4):

Myriad Genetics, Inc.
Classification: Likely pathogenic for Medium-chain acyl-coenzyme A dehydrogenase deficiency. Last evaluated: 2026-01-07. Review status: criteria provided, single submitter. Criteria: Myriad Autosomal Dominant, Autosomal Recessive and X-Linked Classification Criteria (2023). Collection method: clinical testing. Allele origin: unknown.
Comment: NM_000016.4(ACADM):c.216+2T>C is a variant in a canonical splice site classified as likely pathogenic in the context of medium-chain acyl-CoA dehydrogenase deficiency. c.216+2T>C has been observed in a case with relevant disease (PMID: 22796001). Relevant functional assessments of this variant are not available in the literature. c.216+2T>C has not been observed in referenced population frequency databases. In summary, NM_000016.4(ACADM):c.216+2T>C is a variant in a canonical splice site in a gene where loss of function is a known mechanism of disease, is predicted to disrupt protein function, and has been observed more frequently in cases with the relevant disease than in healthy populations. Please note: this variant was assessed in the context of healthy population screening.

Natera, Inc.
Classification: Pathogenic for Medium Chain Acyl-CoA Dehydrogenase Deficiency. Last evaluated: 2024-11-05. Review status: criteria provided, single submitter. Criteria: Natera Variant Classification Schema (03/2026). Collection method: clinical testing. Allele origin: germline.
Comment: The c.216+2T>C variant in ACADM is a canonical splice donor site variant predicted to affect pre-mRNA splicing, which may result in an abnormal transcript and altered protein product. This variant is expected to result in nonsense mediated decay, truncation, or a dysfunctional protein product. This variant is rare in the general population with a frequency below the threshold expected for the associated phenotype(s). This variant has been observed in one or more individuals affected with the associated recessive disease, as either homozygous or compound heterozygous with a second variant (PMID: 27856190). Another variant at this same site results in an alteration predicted to cause a similar molecular effect has been observed in individual(s) with the associated phenotype. Given the available evidence, this variant is classified as Pathogenic.

Labcorp Genetics (formerly Invitae), Labcorp
Classification: Pathogenic for Medium-chain acyl-coenzyme A dehydrogenase deficiency. Last evaluated: 2024-06-24. Review status: criteria provided, single submitter. Criteria: Invitae Variant Classification Sherloc (09022015). Collection method: clinical testing. Allele origin: germline.
Comment: This sequence change affects a donor splice site in intron 3 of the ACADM gene. It is expected to disrupt RNA splicing. Variants that disrupt the donor or acceptor splice site typically lead to a loss of protein function (PMID: 16199547), and loss-of-function variants in ACADM are known to be pathogenic (PMID: 16121256, 20434380). The frequency data for this variant in the population databases is considered unreliable, as metrics indicate poor data quality at this position in the gnomAD database. Disruption of this splice site has been observed in individual(s) with medium-chain acyl-coenzyme A dehydrogenase (MCAD) deficiency (PMID: 22796001). This variant is also known as IVS3+2T>C. ClinVar contains an entry for this variant (Variation ID: 811864). Algorithms developed to predict the effect of sequence changes on RNA splicing suggest that this variant may disrupt the consensus splice site. For these reasons, this variant has been classified as Pathogenic.

ARUP Laboratories, Molecular Genetics and Genomics, ARUP Laboratories
Classification: Pathogenic for Medium-chain acyl-coenzyme A dehydrogenase deficiency. Last evaluated: 2018-12-26. Review status: criteria provided, single submitter. Criteria: ARUP Molecular Germline Variant Investigation Process. Collection method: clinical testing. Allele origin: germline.
Comment: The ACADM c.216+2T>C variant (rs398123073) has been described in the compound heterozygous state in at least one individual with medium chain acyl-CoA dehydrogenase (MCAD) deficiency (Purevsuren 2012). It is absent from general population databases (1000 Genomes Project, Exome Variant Server, and Genome Aggregation Database), indicating it is not a common polymorphism. This variant abolishes the canonical splice donor site of intron 3, which is likely to disrupt gene function. Additionally, another variant that affects this native splice donor site (c.216+1G>T) has been reported in an individual with MCAD deficiency (Touw 2012). Based on available information, the c.216+2T>C variant is considered pathogenic. REFERENCES Purevsuren J et al. Clinical and molecular aspects of Japanese children with medium chain acyl-CoA dehydrogenase deficiency. Mol Genet Metab. 2012 Sep;107(1-2):237-40. Touw C et al. Risk stratification by residual enzyme activity after newborn screening for medium-chain acyl-CoA dehyrogenase deficiency: data from a cohort study. Orphanet J Rare Dis. 2012 May 25;7:30.

Literature cited by the submitters: PubMed 22796001 (cited by Myriad Genetics, Inc. and Labcorp Genetics (formerly Invitae), Labcorp); PubMed 27856190 (cited by Natera, Inc.); PubMed 16199547 (cited by Labcorp Genetics (formerly Invitae), Labcorp); PubMed 16121256 (cited by Labcorp Genetics (formerly Invitae), Labcorp); PubMed 20434380 (cited by Labcorp Genetics (formerly Invitae), Labcorp).

NM_000016.6(ACADM):c.216+2T>C

Gene: ACADM (acyl-CoA dehydrogenase medium chain; plus strand). Cytogenetic location: 1p31.1.
Variant type: single nucleotide variant.
Coding change: c.216+2T>C on transcript NM_000016.6 (MANE Select); the canonical splice donor site of the intron after coding-DNA position 216, T replaced by C.
Molecular consequence: splice donor variant.
Genome position (GRCh38, 1-based): chr1:75,732,743, T>C. VCF-style: chr1-75732743-T-C. GRCh37 (hg19) VCF-style: chr1-76198428-T-C.
Other names: c.216+2T>C (NM_000016.5, NM_001286043.2); c.228+2T>C (NM_001127328.3); c.108+2T>C (NM_001286042.2); c.-170+2T>C (NM_001286044.2).
Identifiers: ClinVar variation 811864 (VCV000811864.14), dbSNP rs398123073, ClinGen allele CA340809647.
Genomic context (GRCh38, chr1:75,732,743, plus strand): 5'-GTAAATTTGCCAGAGAGGAAATCATCCCAGTGGCTGCAGAATATGATAAAACTGGTGAAG[T>C]AGGTATATACATTTTAAAGAGGGAAAAATCTTTTACATTTTTTACAAGATTATGTAATCA-3'